The following is an entry in ClinVar:

ClinVar aggregate classification (germline): Uncertain significance. Review status: criteria provided, multiple submitters, no conflicts (2 of 4 stars). 2 submissions from 2 submitters: Uncertain significance (2). Last evaluated 2025-10-02.

Conditions:
Epileptic encephalopathy. Identifiers: MedGen C0543888, HP:0200134.

Allele frequency attached by ClinVar (database versions not stated): gnomAD exomes below 0.00001.
gnomAD v4.1: 1 of 1,563,404 alleles (0.000064%); highest among the groups gnomAD compares: Non-Finnish European, 0.000087%; no homozygotes.

Submissions (2):

Labcorp Genetics (formerly Invitae), Labcorp
Classification: Uncertain significance for Epileptic encephalopathy. Last evaluated: 2025-10-02. Review status: criteria provided, single submitter. Criteria: Invitae Variant Classification Sherloc (09022015). Collection method: clinical testing. Allele origin: germline.
Comment: This sequence change replaces alanine, which is neutral and non-polar, with valine, which is neutral and non-polar, at codon 1272 of the FASN protein (p.Ala1272Val). This variant is not present in population databases (gnomAD no frequency). This variant has not been reported in the literature in individuals affected with FASN-related conditions. ClinVar contains an entry for this variant (Variation ID: 2689044). An algorithm developed to predict the effect of missense changes on protein structure and function outputs the following: PolyPhen-2: "Possibly Damaging". The valine amino acid residue is found in multiple mammalian species, which suggests that this missense change does not adversely affect protein function. In summary, the available evidence is currently insufficient to determine the role of this variant in disease. Therefore, it has been classified as a Variant of Uncertain Significance.

Revvity Omics, Revvity
Classification: Uncertain significance. Last evaluated: 2023-12-19. Review status: criteria provided, single submitter. Criteria: ACMG Guidelines, 2015. Collection method: clinical testing. Allele origin: germline.

NM_004104.5(FASN):c.3815C>T (p.Ala1272Val)

Gene: FASN (fatty acid synthase; minus strand). Cytogenetic location: 17q25.3.
Variant type: single nucleotide variant.
Coding change: c.3815C>T on transcript NM_004104.5 (MANE Select); coding-DNA position 3815, C replaced by T.
Protein change: p.Ala1272Val; replaces alanine 1272 with valine.
Molecular consequence: missense variant.
Genome position (GRCh38, 1-based): chr17:82,085,789, G>A on the plus strand (C>T on the coding strand, the complement: FASN is on the minus strand). VCF-style: chr17-82085789-G-A. GRCh37 (hg19) VCF-style: chr17-80043665-G-A.
Other names: short protein forms A1272V.
Identifiers: ClinVar variation 2689044 (VCV002689044.3), dbSNP rs2509835152, ClinGen allele CA401550131.